The following is an entry in ClinVar:

ClinVar aggregate classification (germline): Uncertain significance. Review status: criteria provided, multiple submitters, no conflicts (2 of 4 stars). 2 submissions from 2 submitters: Uncertain significance (2). Last evaluated 2026-05-08.

Conditions:
Inborn genetic diseases. Identifiers: MedGen C0950123, MeSH D030342.

gnomAD v4.1: 215 of 1,610,074 alleles (0.013%); highest among the groups gnomAD compares: Admixed American, 0.025%; no homozygotes.

Submissions (2):

Ambry Genetics
Classification: Uncertain significance for Inborn genetic diseases. Last evaluated: 2026-05-08. Review status: criteria provided, single submitter. Criteria: Ambry Variant Classification Scheme 2023. Collection method: clinical testing. Allele origin: germline.
Comment: The c.5C>T (p.A2V) alteration is located in exon 1 (coding exon 1) of the TMX2 gene. This alteration results from a C to T substitution at nucleotide position 5, causing the alanine (A) at amino acid position 2 to be replaced by a valine (V). Based on data from gnomAD, the T allele has an overall frequency of 0.013% (36/278144) total alleles studied. The highest observed frequency was 0.029% (10/34938) of Latino alleles. Based on insufficient or conflicting evidence, the clinical significance of this alteration remains unclear.

Blueprint Genetics
Classification: Uncertain significance. Last evaluated: 2024-11-25. Review status: criteria provided, single submitter. Criteria: ACMG Guidelines, 2015. Collection method: clinical testing. Allele origin: germline.

NM_015959.4(TMX2):c.5C>T (p.Ala2Val)

Genes: TMX2 (thioredoxin related transmembrane protein 2; plus strand), TMX2-CTNND1 (TMX2-CTNND1 readthrough (NMD candidate); plus strand). Cytogenetic location: 11q12.1.
Variant type: single nucleotide variant.
Coding change: c.5C>T on transcript NM_015959.4 (MANE Select); coding-DNA position 5, C replaced by T.
Protein change: p.Ala2Val; replaces alanine 2 with valine.
Molecular consequence: missense variant. On other transcripts: non-coding transcript variant (5), 5 prime UTR variant (5).
Genome position (GRCh38, 1-based): chr11:57,712,623, C>T. VCF-style: chr11-57712623-C-T. GRCh37 (hg19) VCF-style: chr11-57480095-C-T.
Other names: c.5C>T, p.Ala2Val (NM_001144012.3, NM_001347890.2, NM_001347891.2 and 1 more transcripts); c.-180C>T (NM_001347892.2); c.-355C>T (NM_001347893.2, NM_001347894.2); c.-405C>T (NM_001347895.2); c.-332C>T (NM_001347896.2); short protein forms A2V.
Identifiers: ClinVar variation 4865772 (VCV004865772.2).